The following is an entry in ClinVar:

ClinVar aggregate classification (germline): Uncertain significance (1 of 4 stars; one submission).

Conditions:
Charcot-Marie-Tooth disease type 4. Also called: Charcot-Marie-Tooth disease, type IV; Charcot-Marie-Tooth, Type 4. Identifiers: Orphanet 64749, MedGen C4082197, MONDO:0018995.

Submission:

Labcorp Genetics (formerly Invitae), Labcorp
Classification: Uncertain significance for Charcot-Marie-Tooth disease type 4. Last evaluated: 2022-08-21. Review status: criteria provided, single submitter. Criteria: Invitae Variant Classification Sherloc (09022015). Collection method: clinical testing. Allele origin: germline.
Comment: This variant has not been reported in the literature in individuals affected with SBF2-related conditions. In summary, the available evidence is currently insufficient to determine the role of this variant in disease. Therefore, it has been classified as a Variant of Uncertain Significance. Algorithms developed to predict the effect of missense changes on protein structure and function (SIFT, PolyPhen-2, Align-GVGD) all suggest that this variant is likely to be tolerated. ClinVar contains an entry for this variant (Variation ID: 1063865). This variant is not present in population databases (gnomAD no frequency). This sequence change replaces phenylalanine, which is neutral and non-polar, with leucine, which is neutral and non-polar, at codon 436 of the SBF2 protein (p.Phe436Leu).

NM_030962.4(SBF2):c.1308T>G (p.Phe436Leu)

Gene: SBF2 (SET binding factor 2; minus strand). Cytogenetic location: 11p15.4.
Variant type: single nucleotide variant.
Coding change: c.1308T>G on transcript NM_030962.4 (MANE Select); coding-DNA position 1308, T replaced by G.
Protein change: p.Phe436Leu; replaces phenylalanine 436 with leucine.
Molecular consequence: missense variant.
Genome position (GRCh38, 1-based): chr11:9,989,584, A>C on the plus strand (T>G on the coding strand, the complement: SBF2 is on the minus strand). VCF-style: chr11-9989584-A-C. GRCh37 (hg19) VCF-style: chr11-10011131-A-C.
Other names: c.1308T>G, p.Phe436Leu (NM_001386339.1); c.1179T>G, p.Phe393Leu (NM_001386342.1); short protein forms F393L, F436L.
Identifiers: ClinVar variation 1063865 (VCV001063865.9), dbSNP rs2134459399, ClinGen allele CA379636508.
Genomic context (GRCh38, chr11:9,989,584, plus strand): 5'-CCTGACATGCTTTATCATCTTCACTGGGTTATTTTCTTCAACTTTAATTCTCTCTACTTC[A>C]AAGGCTACCAACTAGGAAAAAGAATCAAATGGCAAAACATCAATTCCAAAATATGCCAAA-3'
Protein context (NP_112224.1, residues 426-446): SCDLFDELVA[Phe436Leu]EVERIKVEEN